The following is an entry in ClinVar:

ClinVar aggregate classification (germline): Uncertain significance. Review status: criteria provided, multiple submitters, no conflicts (2 of 4 stars). 3 submissions from 3 submitters: Uncertain significance (3). Last evaluated 2023-12-19.

Conditions:
Cardiovascular phenotype. Identifiers: MedGen CN230736.

Allele frequency attached by ClinVar (database versions not stated): gnomAD exomes below 0.00001 and 0.00001; ExAC 0.00001.
gnomAD v4.1: 21 of 1,612,624 alleles (0.0013%); highest among the groups gnomAD compares: East Asian, 0.0022%; no homozygotes.

Submissions (3):

ARUP Laboratories, Molecular Genetics and Genomics, ARUP Laboratories
Classification: Uncertain significance. Last evaluated: 2023-12-19. Review status: criteria provided, single submitter. Criteria: ARUP Molecular Germline Variant Investigation Process 2024. Collection method: clinical testing. Allele origin: germline.
Comment: The TTN c.49127G>A; p.Arg16376His variant (rs746306518; ClinVar Variation ID: 281995) is rare in the general population (<0.2% allele frequency in the Genome Aggregation Database) and has not been reported in the medical literature in association with dilated cardiomyopathy (DCM) or other TTN-related disease. The clinical relevance of rare missense variants in this gene, which are identified on average once per individual sequenced in affected populations (Herman 2012), is not well understood. Yet, evidence suggests that the vast majority of such missense variants do not contribute to the clinical outcome of DCM (Begay 2015). Thus, the clinical significance of the p.Arg16376His variant cannot be determined with certainty.

Ambry Genetics
Classification: Uncertain significance for Cardiovascular phenotype. Last evaluated: 2016-09-26. Review status: criteria provided, single submitter. Criteria: Ambry Variant Classification Scheme 2023. Collection method: clinical testing. Allele origin: germline.
Comment: The p.R7311H variant (also known as c.21932G>A), located in coding exon 89 of the TTN gene, results from a G to A substitution at nucleotide position 21932. The arginine at codon 7311 is replaced by histidine, an amino acid with highly similar properties, and is located in the A-band region of the N2-B isoform of the titin protein. Based on data from ExAC, the A allele has an overall frequency less than 0.01% (1/104852). This amino acid position is highly conserved in available vertebrate species. In addition, this alteration is predicted to be tolerated by in silico analysis. Since supporting evidence is limited at this time, the clinical significance of this alteration remains unclear.

Eurofins Ntd Llc (ga)
Classification: Uncertain significance. Last evaluated: 2015-07-16. Review status: criteria provided, single submitter. Criteria: EGL Classification Definitions 2015. Collection method: clinical testing. Allele origin: germline. Observed: 1 variant allele, 1 heterozygote.

NM_001267550.2(TTN):c.49127G>A (p.Arg16376His)

Genes: TTN (titin; minus strand), TTN-AS1 (TTN antisense RNA 1; plus strand), LOC126806426 (BRD4-independent group 4 enhancer GRCh37_chr2:179478848-179480047; plus strand). Cytogenetic location: 2q31.2.
Variant type: single nucleotide variant.
Coding change: c.49127G>A on transcript NM_001267550.2 (MANE Select); coding-DNA position 49127, G replaced by A.
Protein change: p.Arg16376His; replaces arginine 16376 with histidine.
Molecular consequence: missense variant. On other transcripts: non-coding transcript variant (1).
Genome position (GRCh38, 1-based): chr2:178,614,270, C>T on the plus strand (G>A on the coding strand, the complement: TTN is on the minus strand). VCF-style: chr2-178614270-C-T. GRCh37 (hg19) VCF-style: chr2-179478997-C-T.
Other names: c.44204G>A, p.Arg14735His (NM_001256850.1); c.21932G>A, p.Arg7311His (NM_003319.4); c.41423G>A, p.Arg13808His (NM_133378.4); c.22307G>A, p.Arg7436His (NM_133432.3); c.22508G>A, p.Arg7503His (NM_133437.4); short protein forms R14735H, R13808H, R16376H, R7311H, R7436H, R7503H.
Identifiers: ClinVar variation 281995 (VCV000281995.10), dbSNP rs746306518, ClinGen allele CA1994669.